The following is an entry in ClinVar:

ClinVar aggregate classification (germline): Conflicting classifications of pathogenicity. Review status: criteria provided, conflicting classifications (1 of 4 stars). 7 submissions from 7 submitters: Uncertain significance (5); Likely benign (2). Last evaluated 2026-08-23.

Conditions:
HERC2-related disorder. Also called: HERC2-related condition.
Developmental delay with autism spectrum disorder and gait instability (MRT38). Also called: Intellectual developmental disorder, autosomal recessive 38. Identifiers: Orphanet 329195, MedGen C3809753, MONDO:0014224, OMIM 615516.

Allele frequency attached by ClinVar (database versions not stated): 1000 Genomes Project 30x 0.00031; 1000 Genomes Project 0.00040; gnomAD 0.00076; ExAC 0.00087; ESP Exome Variant Server 0.00123; TOPMed 0.00150.
gnomAD v4.1: 2,205 of 1,605,684 alleles (0.14%); highest among the groups gnomAD compares: Admixed American, 0.18%; 2 homozygotes.

Submissions (8):

PreventionGenetics, part of Exact Sciences
Classification: Likely benign for HERC2-related condition. Last evaluated: 2026-08-23. Review status: criteria provided, single submitter. Criteria: ACMG Guidelines, 2015. Collection method: clinical testing. Allele origin: germline.
Comment: This variant is classified as likely benign based on ACMG/AMP sequence variant interpretation guidelines (Richards et al. 2015 PMID: 25741868, with internal and published modifications).

CeGaT Center for Human Genetics Tuebingen
Classification: Likely benign. Last evaluated: 2026-08-01. Review status: criteria provided, single submitter. Criteria: CeGaT Center For Human Genetics Tuebingen Variant Classification Criteria Version 2. Collection method: clinical testing. Allele origin: germline. Affected: yes. Observed: 3 variant alleles.
Comment: HERC2: BP4

Baylor Genetics
Classification: Uncertain significance for Developmental delay with autism spectrum disorder and gait instability. Last evaluated: 2021-05-12. Review status: criteria provided, single submitter. Criteria: ACMG Guidelines, 2015. Collection method: clinical testing. Allele origin: unknown.

GeneDx
Classification: Uncertain significance. Last evaluated: 2021-02-01. Review status: criteria provided, single submitter. Criteria: GeneDx Variant Classification Process June 2021. Collection method: clinical testing. Allele origin: germline. Affected: yes.
Comment: Has not been previously published as pathogenic or benign to our knowledge; In-silico analysis, which includes splice predictors and evolutionary conservation, is inconclusive as to whether the variant alters gene splicing. In the absence of RNA/functional studies, the actual effect of this sequence change is unknown.; Reported in ClinVar but additional evidence is not available (ClinVar Variant ID 218647; Landrum et al., 2016); This variant is associated with the following publications: (PMID: 27535533)

Eurofins Ntd Llc (ga)
Classification: Uncertain significance. Last evaluated: 2017-02-20. Review status: criteria provided, single submitter. Criteria: EGL Classification Definitions 2015. Collection method: clinical testing. Allele origin: germline. Observed: 1 variant allele, 1 heterozygote.

Genomic Diagnostic Laboratory, Division of Genomic Diagnostics, Children's Hospital of Philadelphia
Classification: Uncertain significance. Last evaluated: 2015-04-14. Review status: criteria provided, single submitter. Criteria: DGD Variant Analysis Guidelines. Collection method: clinical testing. Allele origin: unknown.

Breakthrough Genomics
Classification: Uncertain significance. Review status: criteria provided, single submitter. Criteria: ACMG Guidelines, 2015. Collection method: not provided. Allele origin: germline. Inheritance: Autosomal recessive inheritance. Affected: yes.

Dr. Peter K. Rogan Lab, Western University
No classification provided (evidence only). Condition: Acute myeloid leukemia. Review status: no classification provided. Collection method: in vitro. Allele origin: not applicable. Functional consequence: retained intron. Not counted in ClinVar's aggregate classification.

NM_004667.6(HERC2):c.2747-3C>A

Gene: HERC2 (HECT and RLD domain containing E3 ubiquitin protein ligase 2; minus strand). Cytogenetic location: 15q13.1.
Variant type: single nucleotide variant.
Coding change: c.2747-3C>A on transcript NM_004667.6 (MANE Select); 3 bases into the intron before coding-DNA position 2747, C replaced by A.
Molecular consequence: intron variant.
Genome position (GRCh38, 1-based): chr15:28,255,999, G>T on the plus strand (C>A on the coding strand, the complement: HERC2 is on the minus strand). VCF-style: chr15-28255999-G-T. GRCh37 (hg19) VCF-style: chr15-28501145-G-T.
Other names: NC_000015.9:g.28501145G>T.
Identifiers: ClinVar variation 218647 (VCV000218647.35), dbSNP rs200632307, ClinGen allele CA249420.
Genomic context (GRCh38, chr15:28,255,999, plus strand): 5'-ACCAGAAGATCAATCATGAATCGACGACCTGGACTTATGTTCACTTCATTGCCTGAAACT[G>T]AAATAGAAAGTGTGTGCCAATTTGAGTGAAACGCCATTCCCTCCCAACACCCTGACCCAT-3'